The following is an entry in ClinVar:

ClinVar aggregate classification (germline): Uncertain significance. Review status: criteria provided, multiple submitters, no conflicts (2 of 4 stars). 2 submissions from 2 submitters: Uncertain significance (2). Last evaluated 2025-12-15.

gnomAD v4.1: 13 of 1,611,436 alleles (0.00081%); highest among the groups gnomAD compares: Non-Finnish European, 0.0011%; no homozygotes.

Submissions (2):

Labcorp Genetics (formerly Invitae), Labcorp
Classification: Uncertain significance. Last evaluated: 2025-12-15. Review status: criteria provided, single submitter. Criteria: Invitae Variant Classification Sherloc (09022015). Collection method: clinical testing. Allele origin: germline.
Comment: This sequence change replaces serine, which is neutral and polar, with tyrosine, which is neutral and polar, at codon 8 of the XPR1 protein (p.Ser8Tyr). This variant is not present in population databases (gnomAD no frequency). This variant has not been reported in the literature in individuals affected with XPR1-related conditions. ClinVar contains an entry for this variant (Variation ID: 3378009). Invitae Evidence Modeling of protein sequence and biophysical properties (such as structural, functional, and spatial information, amino acid conservation, physicochemical variation, residue mobility, and thermodynamic stability) indicates that this missense variant is expected to disrupt XPR1 protein function with a positive predictive value of 80%. In summary, the available evidence is currently insufficient to determine the role of this variant in disease. Therefore, it has been classified as a Variant of Uncertain Significance.

GeneDx
Classification: Uncertain significance. Last evaluated: 2024-05-17. Review status: criteria provided, single submitter. Criteria: GeneDx Variant Classification Process June 2021. Collection method: clinical testing. Allele origin: germline. Affected: yes.
Comment: Not observed at significant frequency in large population cohorts (gnomAD); In silico analysis supports that this missense variant has a deleterious effect on protein structure/function; Has not been previously published as pathogenic or benign to our knowledge

NM_004736.4(XPR1):c.23C>A (p.Ser8Tyr)

Gene: XPR1 (xenotropic and polytropic retrovirus receptor 1; plus strand). Cytogenetic location: 1q25.3.
Variant type: single nucleotide variant.
Coding change: c.23C>A on transcript NM_004736.4 (MANE Select); coding-DNA position 23, C replaced by A.
Protein change: p.Ser8Tyr; replaces serine 8 with tyrosine.
Molecular consequence: missense variant. On other transcripts: non-coding transcript variant (1).
Genome position (GRCh38, 1-based): chr1:180,632,224, C>A. VCF-style: chr1-180632224-C-A. GRCh37 (hg19) VCF-style: chr1-180601360-C-A.
Other names: c.23C>A, p.Ser8Tyr (NM_001135669.2, NM_001328662.2); short protein forms S8Y.
Identifiers: ClinVar variation 3378009 (VCV003378009.2).